The following is an entry in ClinVar:

NM_020822.3(KCNT1):c.3092C>T (p.Ser1031Phe)

Gene: KCNT1 (potassium sodium-activated channel subfamily T member 1; plus strand). Cytogenetic location: 9q34.3.
Variant type: single nucleotide variant.
Coding change: c.3092C>T on transcript NM_020822.3 (MANE Select); coding-DNA position 3092, C replaced by T.
Protein change: p.Ser1031Phe; replaces serine 1031 with phenylalanine.
Molecular consequence: missense variant.
Genome position (GRCh38, 1-based): chr9:135,784,825, C>T. VCF-style: chr9-135784825-C-T. GRCh37 (hg19) VCF-style: chr9-138676671-C-T.
Other names: c.2957C>T, p.Ser986Phe (NM_001272003.2); short protein forms S986F, S1031F.
Identifiers: ClinVar variation 1388373 (VCV001388373.8), dbSNP rs750371003, ClinGen allele CA5327611.
Genomic context (GRCh38, chr9:135,784,825, plus strand): 5'-AAATCACCGAGGGCGACCTGTGGATCCGCACGTACGGCCGCCTCTTCCAGAAGCTCTGCT[C>T]CTCCAGCGCCGAGATCCCCATTGGCATCTACCGGACAGAGAGCCACGTCTTCTCCACCTC-3'
Protein context (NP_065873.2, residues 1021-1041): TYGRLFQKLC[Ser1031Phe]SSAEIPIGIY

ClinVar aggregate classification (germline): Uncertain significance. Review status: criteria provided, multiple submitters, no conflicts (2 of 4 stars). 2 submissions from 2 submitters: Uncertain significance (2). Last evaluated 2022-07-19.

Conditions:
Autosomal dominant nocturnal frontal lobe epilepsy 5. Also called: CILIARY DYSKINESIA, PRIMARY, 28, WITH SITUS INVERSUS; KCNT1-Related Epilepsy; CILIARY DYSKINESIA, PRIMARY, 28, WITHOUT SITUS INVERSUS; Epilepsy, nocturnal frontal lobe, 5. Identifiers: Orphanet 98784, MedGen C3554306, MONDO:0014002, OMIM 615005.
Developmental and epileptic encephalopathy, 14 (DEE14). Also called: Early infantile epileptic encephalopathy 14. Identifiers: Orphanet 293181, MedGen C3554195, MONDO:0013989, OMIM 614959.
Inborn genetic diseases. Identifiers: MedGen C0950123, MeSH D030342.

Allele frequency attached by ClinVar (database versions not stated): gnomAD exomes below 0.00001; ExAC 0.00001.
gnomAD v4.1: 1 of 1,612,866 alleles (0.000062%); highest among the groups gnomAD compares: African/African-American, 0.0013%; no homozygotes.

Submissions (2):

Labcorp Genetics (formerly Invitae), Labcorp
Classification: Uncertain significance for Autosomal dominant nocturnal frontal lobe epilepsy 5; Developmental and epileptic encephalopathy, 14. Last evaluated: 2022-07-19. Review status: criteria provided, single submitter. Criteria: Invitae Variant Classification Sherloc (09022015). Collection method: clinical testing. Allele origin: germline.
Comment: In summary, the available evidence is currently insufficient to determine the role of this variant in disease. Therefore, it has been classified as a Variant of Uncertain Significance. Advanced modeling of protein sequence and biophysical properties (such as structural, functional, and spatial information, amino acid conservation, physicochemical variation, residue mobility, and thermodynamic stability) performed at Invitae indicates that this missense variant is expected to disrupt KCNT1 protein function. ClinVar contains an entry for this variant (Variation ID: 1388373). This variant has not been reported in the literature in individuals affected with KCNT1-related conditions. This variant is present in population databases (rs750371003, gnomAD 0.007%). This sequence change replaces serine, which is neutral and polar, with phenylalanine, which is neutral and non-polar, at codon 1031 of the KCNT1 protein (p.Ser1031Phe).

Ambry Genetics
Classification: Uncertain significance for Inborn genetic diseases. Last evaluated: 2017-09-29. Review status: criteria provided, single submitter. Criteria: Ambry Variant Classification Scheme 2023. Collection method: clinical testing. Allele origin: germline.
Comment: The p.S1031F variant (also known as c.3092C>T), located in coding exon 27 of the KCNT1 gene, results from a C to T substitution at nucleotide position 3092. The serine at codon 1031 is replaced by phenylalanine, an amino acid with highly dissimilar properties. This amino acid position is highly conserved in available vertebrate species. In addition, this alteration is predicted to be deleterious by in silico analysis. Since supporting evidence is limited at this time, the clinical significance of this alteration remains unclear.